The following is an entry in ClinVar:

NM_013291.3(CPSF1):c.2025C>T (p.Tyr675=)

Gene: CPSF1 (cleavage and polyadenylation specific factor 1; minus strand). Cytogenetic location: 8q24.3.
Variant type: single nucleotide variant.
Coding change: c.2025C>T on transcript NM_013291.3 (MANE Select); coding-DNA position 2025, C replaced by T.
Protein change: p.Tyr675=; no amino-acid change (tyrosine 675 retained).
Molecular consequence: synonymous variant.
Genome position (GRCh38, 1-based): chr8:144,398,002, G>A on the plus strand (C>T on the coding strand, the complement: CPSF1 is on the minus strand). VCF-style: chr8-144398002-G-A. GRCh37 (hg19) VCF-style: chr8-145623217-G-A.
Identifiers: ClinVar variation 2658983 (VCV002658983.24), dbSNP rs553389900, ClinGen allele CA4940156.

ClinVar aggregate classification (germline): Likely benign (1 of 4 stars; one submission).

Allele frequency attached by ClinVar (database versions not stated): TOPMed 0.00008; gnomAD exomes 0.00015; gnomAD 0.00021; ExAC 0.00042; 1000 Genomes Project 0.00060; 1000 Genomes Project 30x 0.00062.
gnomAD v4.1: 257 of 1,611,652 alleles (0.016%); highest among the groups gnomAD compares: South Asian, 0.21%; 2 homozygotes.

Submission:

CeGaT Center for Human Genetics Tuebingen
Classification: Likely benign. Last evaluated: 2022-07-01. Review status: criteria provided, single submitter. Criteria: CeGaT Center For Human Genetics Tuebingen Variant Classification Criteria Version 2. Collection method: clinical testing. Allele origin: germline. Affected: yes. Observed: 1 variant allele.
Comment: CPSF1: BP4, BP7